The following is an entry in ClinVar:

NM_000701.8(ATP1A1):c.2053C>T (p.His685Tyr)

Genes: ATP1A1 (ATPase Na+/K+ transporting subunit alpha 1; plus strand), ATP1A1-AS1 (ATP1A1 antisense RNA 1; minus strand). Cytogenetic location: 1p13.1.
Variant type: single nucleotide variant.
Coding change: c.2053C>T on transcript NM_000701.8 (MANE Select); coding-DNA position 2053, C replaced by T.
Protein change: p.His685Tyr; replaces histidine 685 with tyrosine.
Molecular consequence: missense variant.
Genome position (GRCh38, 1-based): chr1:116,397,967, C>T. VCF-style: chr1-116397967-C-T. GRCh37 (hg19) VCF-style: chr1-116940589-C-T.
Other names: c.2053C>T, p.His685Tyr (NM_001160233.2); c.1960C>T, p.His654Tyr (NM_001160234.2); short protein forms H654Y, H685Y.
Identifiers: ClinVar variation 2248300 (VCV002248300.3), dbSNP rs1177991548, ClinGen allele CA341772515.

ClinVar aggregate classification (germline): Uncertain significance. Review status: criteria provided, multiple submitters, no conflicts (2 of 4 stars). 2 submissions from 2 submitters: Uncertain significance (2). Last evaluated 2025-10-10.

Conditions:
Inborn genetic diseases. Identifiers: MedGen C0950123, MeSH D030342.

Allele frequency attached by ClinVar (database versions not stated): gnomAD exomes below 0.00001; TOPMed below 0.00001; gnomAD 0.00001.
gnomAD v4.1: 2 of 1,613,712 alleles (0.00012%); highest among the groups gnomAD compares: Non-Finnish European, 0.00017%; no homozygotes.

Submissions (2):

Labcorp Genetics (formerly Invitae), Labcorp
Classification: Uncertain significance. Last evaluated: 2025-10-10. Review status: criteria provided, single submitter. Criteria: Invitae Variant Classification Sherloc (09022015). Collection method: clinical testing. Allele origin: germline.
Comment: This sequence change replaces histidine, which is basic and polar, with tyrosine, which is neutral and polar, at codon 685 of the ATP1A1 protein (p.His685Tyr). This variant is not present in population databases (gnomAD no frequency). This variant has not been reported in the literature in individuals affected with ATP1A1-related conditions. ClinVar contains an entry for this variant (Variation ID: 2248300). Invitae Evidence Modeling of protein sequence and biophysical properties (such as structural, functional, and spatial information, amino acid conservation, physicochemical variation, residue mobility, and thermodynamic stability) indicates that this missense variant is not expected to disrupt ATP1A1 protein function with a negative predictive value of 95%. In summary, the available evidence is currently insufficient to determine the role of this variant in disease. Therefore, it has been classified as a Variant of Uncertain Significance.

Ambry Genetics
Classification: Uncertain significance for Inborn genetic diseases. Last evaluated: 2021-09-01. Review status: criteria provided, single submitter. Criteria: Ambry Variant Classification Scheme 2023. Collection method: clinical testing. Allele origin: germline.